The following is an entry in ClinVar:

NM_004239.4(TRIP11):c.3384C>T (p.Ala1128=)

Gene: TRIP11 (thyroid hormone receptor interactor 11; minus strand). Cytogenetic location: 14q32.12.
Variant type: single nucleotide variant.
Coding change: c.3384C>T on transcript NM_004239.4 (MANE Select); coding-DNA position 3384, C replaced by T.
Protein change: p.Ala1128=; no amino-acid change (alanine 1128 retained).
Molecular consequence: synonymous variant.
Genome position (GRCh38, 1-based): chr14:92,004,592, G>A on the plus strand (C>T on the coding strand, the complement: TRIP11 is on the minus strand). VCF-style: chr14-92004592-G-A. GRCh37 (hg19) VCF-style: chr14-92470936-G-A.
Other names: c.3381C>T, p.Ala1127= (NM_001321851.1).
Identifiers: ClinVar variation 671247 (VCV000671247.1), dbSNP rs779004649, ClinGen allele CA7313637.
Genomic context (GRCh38, chr14:92,004,592, plus strand): 5'-TTCAAATCTAGTGGACAATTTTTTATTTTCATCTTGCAGTTTGATAAGAGCTGCTTCCTT[G>A]GCAGCAACAATATCCATCATTTTGTGATATTCTGTTTTTAGATGGCTATTTTCCCTAGTC-3'
Protein context (NP_004230.2, residues 1118-1138): EYHKMMDIVA[Ala1128=]KEAALIKLQD

ClinVar aggregate classification (germline): Likely benign (1 of 4 stars; one submission).

Allele frequency attached by ClinVar (database versions not stated): ExAC 0.00002; gnomAD 0.00003; TOPMed 0.00001 and 0.00002; gnomAD exomes 0.00002.
gnomAD v4.1: 36 of 1,613,812 alleles (0.0022%); highest among the groups gnomAD compares: Non-Finnish European, 0.003%; no homozygotes.

Submission:

GeneDx
Classification: Likely benign. Last evaluated: 2018-06-04. Review status: criteria provided, single submitter. Criteria: GeneDx Variant Classification (06012015). Collection method: clinical testing. Allele origin: germline. Affected: yes.
Comment: This variant is considered likely benign or benign based on one or more of the following criteria: it is a conservative change, it occurs at a poorly conserved position in the protein, it is predicted to be benign by multiple in silico algorithms, and/or has population frequency not consistent with disease.